The following is an entry in ClinVar:

ClinVar aggregate classification (germline): Uncertain significance. Review status: criteria provided, multiple submitters, no conflicts (2 of 4 stars). 2 submissions from 2 submitters: Uncertain significance (2). Last evaluated 2025-12-21.

gnomAD v4.1: 11 of 1,614,088 alleles (0.00068%); highest among the groups gnomAD compares: Admixed American, 0.01%; no homozygotes.

Submissions (2):

Labcorp Genetics (formerly Invitae), Labcorp
Classification: Uncertain significance. Last evaluated: 2025-12-21. Review status: criteria provided, single submitter. Criteria: Invitae Variant Classification Sherloc (09022015). Collection method: clinical testing. Allele origin: germline.
Comment: This sequence change replaces glutamine, which is neutral and polar, with arginine, which is basic and polar, at codon 323 of the RFWD3 protein (p.Gln323Arg). This variant is present in population databases (rs779030049, gnomAD 0.02%). This variant has not been reported in the literature in individuals affected with RFWD3-related conditions. ClinVar contains an entry for this variant (Variation ID: 3432560). An algorithm developed to predict the effect of missense changes on protein structure and function (PolyPhen-2) suggests that this variant is likely to be tolerated. In summary, the available evidence is currently insufficient to determine the role of this variant in disease. Therefore, it has been classified as a Variant of Uncertain Significance.

Ambry Genetics
Classification: Uncertain significance. Last evaluated: 2024-08-04. Review status: criteria provided, single submitter. Criteria: Ambry Variant Classification Scheme 2023. Collection method: clinical testing. Allele origin: germline.

NM_018124.4(RFWD3):c.968A>G (p.Gln323Arg)

Gene: RFWD3 (ring finger and WD repeat domain 3; minus strand). Cytogenetic location: 16q23.1.
Variant type: single nucleotide variant.
Coding change: c.968A>G on transcript NM_018124.4 (MANE Select); coding-DNA position 968, A replaced by G.
Protein change: p.Gln323Arg; replaces glutamine 323 with arginine.
Molecular consequence: missense variant.
Genome position (GRCh38, 1-based): chr16:74,644,560, T>C on the plus strand (A>G on the coding strand, the complement: RFWD3 is on the minus strand). VCF-style: chr16-74644560-T-C. GRCh37 (hg19) VCF-style: chr16-74678458-T-C.
Other names: c.968A>G, p.Gln323Arg (NM_001370534.1, NM_001370535.1, NM_001370536.1); c.134A>G, p.Gln45Arg (NM_001370537.1, NM_001370539.1, NM_001370540.1 and 2 more transcripts); short protein forms Q323R, Q45R.
Identifiers: ClinVar variation 3432560 (VCV003432560.3).
Genomic context (GRCh38, chr16:74,644,560, plus strand): 5'-CTGACTTAACATGTTAATGTGTCCTTACCTATGGTCCTTACCTGGGGACATTTTCGTACT[T>C]GTCCTTTAAGCCACGTGGAAATGCACCTATACCCAAAGAGATGCCCACAGCGTAATGCTG-3'
Protein context (NP_060594.3, residues 313-333): YRCISTWLKG[Gln323Arg]VRKCPQCNKK